The following is an entry in ClinVar:

NM_006767.4(LZTR1):c.1214G>T (p.Gly405Val)

Gene: LZTR1 (leucine zipper like post translational regulator 1; plus strand). Cytogenetic location: 22q11.21.
Variant type: single nucleotide variant.
Coding change: c.1214G>T on transcript NM_006767.4 (MANE Select); coding-DNA position 1214, G replaced by T.
Protein change: p.Gly405Val; replaces glycine 405 with valine.
Molecular consequence: missense variant.
Genome position (GRCh38, 1-based): chr22:20,992,858, G>T. VCF-style: chr22-20992858-G-T. GRCh37 (hg19) VCF-style: chr22-21347147-G-T.
Other names: short protein forms G405V.
Identifiers: ClinVar variation 1310112 (VCV001310112.2), dbSNP rs748190695, ClinGen allele CA410773946.

ClinVar aggregate classification (germline): Uncertain significance (1 of 4 stars; one submission).

Submission:

GeneDx
Classification: Uncertain significance. Last evaluated: 2019-11-20. Review status: criteria provided, single submitter. Criteria: GeneDx Variant Classification Process June 2021. Collection method: clinical testing. Allele origin: germline. Affected: yes.
Comment: Not observed in large population cohorts (Lek et al., 2016); In silico analysis, which includes protein predictors and evolutionary conservation, supports a deleterious effect; Has not been previously published as pathogenic or benign to our knowledge